The following is an entry in ClinVar:

NM_021628.3(ALOXE3):c.1447C>A (p.His483Asn)

Gene: ALOXE3 (arachidonate epidermal lipoxygenase 3; minus strand). Cytogenetic location: 17p13.1.
Variant type: single nucleotide variant.
Coding change: c.1447C>A on transcript NM_021628.3 (MANE Select); coding-DNA position 1447, C replaced by A.
Protein change: p.His483Asn; replaces histidine 483 with asparagine.
Molecular consequence: missense variant.
Genome position (GRCh38, 1-based): chr17:8,109,289, G>T on the plus strand (C>A on the coding strand, the complement: ALOXE3 is on the minus strand). VCF-style: chr17-8109289-G-T. GRCh37 (hg19) VCF-style: chr17-8012607-G-T.
Other names: c.1843C>A, p.His615Asn (NM_001165960.1); c.1444C>A, p.His482Asn (NM_001369446.1); short protein forms H615N, H483N, H482N.
Identifiers: ClinVar variation 2026784 (VCV002026784.4), dbSNP rs2507771510, ClinGen allele CA397971934.

ClinVar aggregate classification (germline): Uncertain significance (1 of 4 stars; one submission).

Submission:

Labcorp Genetics (formerly Invitae), Labcorp
Classification: Uncertain significance. Last evaluated: 2024-05-06. Review status: criteria provided, single submitter. Criteria: Invitae Variant Classification Sherloc (09022015). Collection method: clinical testing. Allele origin: germline.
Comment: This sequence change replaces histidine, which is basic and polar, with asparagine, which is neutral and polar, at codon 483 of the ALOXE3 protein (p.His483Asn). This variant is not present in population databases (gnomAD no frequency). This variant has not been reported in the literature in individuals affected with ALOXE3-related conditions. ClinVar contains an entry for this variant (Variation ID: 2026784). Advanced modeling of protein sequence and biophysical properties (such as structural, functional, and spatial information, amino acid conservation, physicochemical variation, residue mobility, and thermodynamic stability) performed at Invitae indicates that this missense variant is not expected to disrupt ALOXE3 protein function with a negative predictive value of 80%. In summary, the available evidence is currently insufficient to determine the role of this variant in disease. Therefore, it has been classified as a Variant of Uncertain Significance.